The following is an entry in ClinVar:

ClinVar aggregate classification (germline): Uncertain significance (1 of 4 stars; one submission).

Conditions:
Inborn genetic diseases. Identifiers: MedGen C0950123, MeSH D030342.

Submission:

Ambry Genetics
Classification: Uncertain significance for Inborn genetic diseases. Last evaluated: 2021-06-12. Review status: criteria provided, single submitter. Criteria: Ambry Variant Classification Scheme 2023. Collection method: clinical testing. Allele origin: germline.
Comment: The p.V657M variant (also known as c.1969G>A), located in coding exon 17 of the DCTN1 gene, results from a G to A substitution at nucleotide position 1969. The valine at codon 657 is replaced by methionine, an amino acid with highly similar properties. This amino acid position is conserved. In addition, the in silico prediction for this alteration is inconclusive. Since supporting evidence is limited at this time, the clinical significance of this alteration remains unclear.

NM_004082.5(DCTN1):c.1969G>A (p.Val657Met)

Gene: DCTN1 (dynactin subunit 1; minus strand). Cytogenetic location: 2p13.1.
Variant type: single nucleotide variant.
Coding change: c.1969G>A on transcript NM_004082.5 (MANE Select); coding-DNA position 1969, G replaced by A.
Protein change: p.Val657Met; replaces valine 657 with methionine.
Molecular consequence: missense variant. On other transcripts: non-coding transcript variant (1).
Genome position (GRCh38, 1-based): chr2:74,368,017, C>T on the plus strand (G>A on the coding strand, the complement: DCTN1 is on the minus strand). VCF-style: chr2-74368017-C-T. GRCh37 (hg19) VCF-style: chr2-74595144-C-T.
Other names: c.1909G>A, p.Val637Met (NM_001135040.3); c.1567G>A, p.Val523Met (NM_001135041.3, NM_023019.4); c.1858G>A, p.Val620Met (NM_001190836.2); c.1948G>A, p.Val650Met (NM_001190837.2); c.1918G>A, p.Val640Met (NM_001378991.1); c.1900G>A, p.Val634Met (NM_001378992.1); short protein forms V523M, V640M, V650M, V657M, V620M, V634M, V637M.
Identifiers: ClinVar variation 1783566 (VCV001783566.2), dbSNP rs1674554060, ClinGen allele CA347352017.